The following is an entry in ClinVar:

ClinVar aggregate classification (germline): Pathogenic. Review status: reviewed by expert panel (3 of 4 stars). 10 submissions from 10 submitters: Pathogenic (1). 9 of the submissions do not count toward it. Last evaluated 2019-06-18.

Conditions:
Hereditary cancer-predisposing syndrome. Also called: Neoplastic Syndromes, Hereditary; Tumor predisposition; Hereditary neoplastic syndrome; Hereditary Cancer Syndrome. Identifiers: Orphanet 140162, MedGen C0027672, MeSH D009386, MONDO:0015356.
Hereditary breast ovarian cancer syndrome. Also called: Hereditary breast and ovarian cancer syndrome; Hereditary breast and ovarian cancer; Hereditary breast and ovarian cancer syndrome (HBOC); Breast and ovarian cancer; Hereditary breast and/or ovarian cancer syndrome; BRCA1- and BRCA2-Associated Hereditary Breast and Ovarian Cancer. Identifiers: Orphanet 145, MedGen C0677776, MeSH D061325, MONDO:0003582. Disease mechanism: loss of function.
Breast-ovarian cancer, familial, susceptibility to, 2 (BROVCA2). Also called: BRCA2 Hereditary Breast and Ovarian Cancer. Identifiers: Orphanet 145, MedGen C2675520, MONDO:0012933, OMIM 612555. Disease mechanism: loss of function.
Familial cancer of breast. Also called: BREAST CANCER, FAMILIAL; Hereditary breast cancer; hereditary breast carcinoma. Identifiers: Orphanet 227535, MedGen C0346153, MONDO:0016419, OMIM 114480. Disease mechanism: loss of function.

Allele frequency attached by ClinVar (database versions not stated): gnomAD exomes below 0.00001.
gnomAD v4.1: 3 of 1,592,024 alleles (0.00019%); highest among the groups gnomAD compares: Non-Finnish European, 0.00026%; no homozygotes.

Submissions (10):

Evidence-based Network for the Interpretation of Germline Mutant Alleles (ENIGMA)
Classification: Pathogenic for Breast-ovarian cancer, familial, susceptibility to, 2. Last evaluated: 2019-06-18. Review status: reviewed by expert panel. Criteria: ENIGMA BRCA1/2 Classification Criteria (2017-06-29). Collection method: curation. Allele origin: germline.
Comment: IARC class based on posterior probability from multifactorial likelihood analysis, thresholds for class as per Plon et al. 2008 (PMID: 18951446). Class 5 based on posterior probability = 0.998675

Molecular Pathology, Peter Maccallum Cancer Centre
Classification: Pathogenic for Breast-ovarian cancer, familial, susceptibility to, 2. Last evaluated: 2025-06-03. Review status: criteria provided, single submitter. Criteria: ACMG Guidelines, 2015. Collection method: clinical testing. Allele origin: germline. Inheritance: Autosomal dominant inheritance. Not counted in ClinVar's aggregate classification.

Labcorp Genetics (formerly Invitae), Labcorp
Classification: Pathogenic for Hereditary breast ovarian cancer syndrome. Last evaluated: 2025-01-26. Review status: criteria provided, single submitter. Criteria: Invitae Variant Classification Sherloc (09022015). Collection method: clinical testing. Allele origin: germline. Not counted in ClinVar's aggregate classification.
Comment: This sequence change affects an acceptor splice site in intron 7 of the BRCA2 gene. RNA analysis indicates that disruption of this splice site induces altered splicing and may result in an absent or altered protein product. The frequency data for this variant in the population databases is considered unreliable, as metrics indicate poor data quality at this position in the gnomAD database. Disruption of this splice site has been observed in individual(s) with a personal and/or family history of breast and/or ovarian cancer (PMID: 18819001, 29446198). This variant is also known as IVS7-2A>G. ClinVar contains an entry for this variant (Variation ID: 52063). Based on a multifactorial likelihood algorithm using genetic, in silico, and/or statistical data, this variant has been determined to have a high probability of being pathogenic (PMID: 31131967). Studies have shown that disruption of this splice site results in skipping of exon 8, and produces a non-functional protein and/or introduces a premature termination codon (PMID: 18819001). For these reasons, this variant has been classified as Pathogenic.

Ambry Genetics
Classification: Uncertain significance for Hereditary cancer-predisposing syndrome. Last evaluated: 2024-07-11. Review status: criteria provided, single submitter. Criteria: Ambry Variant Classification Scheme 2023. Collection method: clinical testing. Allele origin: germline. Not counted in ClinVar's aggregate classification.
Comment: The c.632-2A>G intronic variant results from an A to G substitution two nucleotides upstream from coding exon 7 in the BRCA2 gene. This alteration has been identified in multiple breast cancer cohorts (Rebbeck TR et al. Hum Mutat, 2018 May;39:593-620; Zheng Y et al. J Clin Oncol, 2018 Oct;36:2820-2825; Santonocito C et al. Cancers (Basel), 2020 May;12), including at least one male with breast cancer (Rizzolo P et al. Breast Cancer Res Treat, 2017 Feb;162:199-200; Rizzolo P et al. Int J Cancer, 2019 Jul;145:390-400). This alteration was also classified as pathogenic in a multifactorial model of variant interpretation that incorporates co-segregation, family history, co-occurrence and tumor pathology and case-control data (Parsons MT et al. Hum Mutat, 2019 Sep;40:1557-1578). This nucleotide position is highly conserved in available vertebrate species. In silico splice site analysis predicts that this alteration will weaken the native splice acceptor site and may result in the creation or strengthening of a novel splice acceptor site. However, RNA experiments for other alterations at this splice site have shown coding exon 7 splicing alterations to express an in-frame transcript, known as 6q39_8 in the literature (Ambry internal data). This transcript has been shown to be able to perform homology directed repair in protein functional studies at a near wild-type level (Mesman, RLS et al. Genet Med 2020 08;22(8):1355-1365). A functional study performed in mES cells found the c.632-2A>G variant to result in reduced, but some residual, wild-type BRCA2 activity. They also reported that this alteration conferred hypersensitivity to DNA damaging agents and PARP inhibitors (Stauffer S et al. J Hum Genet. 2020 Sep;65(9):805-809). These findings suggest an incomplete reduction in BRCA2 protein function, the clinical significance of which is unclear. Since supporting evidence is limited at this time, the clinical significance of this alteration remains unclear.

Quest Diagnostics Nichols Institute San Juan Capistrano
Classification: Pathogenic. Last evaluated: 2023-08-25. Review status: criteria provided, single submitter. Criteria: Quest Diagnostics criteria. Collection method: clinical testing. Allele origin: unknown. Not counted in ClinVar's aggregate classification.
Comment: This variant disrupts a canonical splice-acceptor site and interferes with normal BRCA2 mRNA splicing. In the published literature, this variant has been reported in individuals and families with breast/ovarian cancer (PMIDs: 32438681 (2020), 30130155 (2018), 29446198 (2018)), including male breast cancer (PMIDs: 30613976 (2019), 28091860 (2017), 18819001 (2009)). A multifactorial analysis study classified this variant as pathogenic (PMID: 31131967 (2019)). In addition, RNA studies indicated this variant produced the expected exon 8-skipped transcript (PMID: 18819001 (2009)), as well as an alternatively spliced, in-frame transcript lacking the last 39 bp of exon 6 through exon 8 which has inconclusive effects on BRCA2 protein function (PMID: 32393813 (2020)). The frequency of this variant in the general population, 0.0000041 (1/243494 chromosomes (Genome Aggregation Database)), is consistent with pathogenicity. Based on the available information, this variant is classified as pathogenic.

Baylor Genetics
Classification: Pathogenic for Familial cancer of breast. Last evaluated: 2023-01-12. Review status: criteria provided, single submitter. Criteria: ACMG Guidelines, 2015. Collection method: clinical testing. Allele origin: unknown. Not counted in ClinVar's aggregate classification.

Color Diagnostics, LLC DBA Color Health
Classification: Pathogenic for Hereditary cancer-predisposing syndrome. Last evaluated: 2021-02-11. Review status: criteria provided, single submitter. Criteria: ACMG Guidelines, 2015. Collection method: clinical testing. Allele origin: germline. Not counted in ClinVar's aggregate classification.
Comment: This variant causes an A to G nucleotide substitution at the -2 position of intron 7 of the BRCA2 gene. Functional RNA studies have shown that this variant causes skipping of exon 8, resulting in premature truncation (PMID: 18819001). This variant has been reported in individuals affected with breast or ovarian cancer (PMID: 18819001, 18821011, 28091860, 30130155, 32438681, 32614418, 32806537). This variant has been identified in 1/243494 chromosomes in the general population by the Genome Aggregation Database (gnomAD). Loss of BRCA2 function is a known mechanism of disease. Based on the available evidence, this variant is classified as Pathogenic.

GeneDx
Classification: Pathogenic. Last evaluated: 2016-02-18. Review status: criteria provided, single submitter. Criteria: GeneDx Variant Classification (06012015). Collection method: clinical testing. Allele origin: germline. Affected: yes. Not counted in ClinVar's aggregate classification.
Comment: This variant is denoted BRCA2 c.632-2A>G or IVS7-2A>G and consists of an A>G nucleotide substitution at the -2 position of intron 7 of the BRCA2 gene. Using alternate nomenclature, this variant would be defined as BRCA2 860-2A>G. This variant destroys a canonical splice acceptor site and is predicted to cause abnormal gene splicing, leading to either an abnormal message that is subject to nonsense-mediated mRNA decay or to an abnormal protein product. Based on the current evidence, we consider this variant to be pathogenic.

Consortium of Investigators of Modifiers of BRCA1/2 (CIMBA), c/o University of Cambridge
Classification: Pathogenic for Breast-ovarian cancer, familial, susceptibility to, 2. Last evaluated: 2015-10-02. Review status: criteria provided, single submitter. Criteria: CIMBA Mutation Classification guidelines May 2016. Collection method: clinical testing. Allele origin: germline. Not counted in ClinVar's aggregate classification.

BRCAlab, Lund University
Classification: Pathogenic for Breast-ovarian cancer, familial, susceptibility to, 2. Last evaluated: 2020-03-02. Review status: no assertion criteria provided. Collection method: clinical testing. Allele origin: germline. Affected: yes. Not counted in ClinVar's aggregate classification.

Literature cited by the submitters: PubMed 31131967 (cited by 4 submitters); PubMed 18819001 (cited by Labcorp Genetics (formerly Invitae), Labcorp and Quest Diagnostics Nichols Institute San Juan Capistrano); PubMed 29446198 (cited by 3 submitters); PubMed 28091860 (cited by Ambry Genetics and Quest Diagnostics Nichols Institute San Juan Capistrano); PubMed 30130155 (cited by Ambry Genetics and Quest Diagnostics Nichols Institute San Juan Capistrano); PubMed 30613976 (cited by Ambry Genetics and Quest Diagnostics Nichols Institute San Juan Capistrano); PubMed 32393813 (cited by Ambry Genetics and Quest Diagnostics Nichols Institute San Juan Capistrano); PubMed 32438681 (cited by Ambry Genetics and Quest Diagnostics Nichols Institute San Juan Capistrano).

NM_000059.4(BRCA2):c.632-2A>G

Gene: BRCA2 (BRCA2 DNA repair associated; plus strand). Cytogenetic location: 13q13.1.
Variant type: single nucleotide variant.
Coding change: c.632-2A>G on transcript NM_000059.4 (MANE Select); the canonical splice acceptor site of the intron before coding-DNA position 632, A replaced by G.
Molecular consequence: splice acceptor variant.
Genome position (GRCh38, 1-based): chr13:32,329,441, A>G. VCF-style: chr13-32329441-A-G. GRCh37 (hg19) VCF-style: chr13-32903578-A-G.
Other names: c.632-2A>G (NM_001406720.1, NM_001406719.1, NM_001406721.1); c.263-2A>G (NM_001406722.1).
Identifiers: ClinVar variation 52063 (VCV000052063.22), dbSNP rs397507842, ClinGen allele CA023891.
Genomic context (GRCh38, chr13:32,329,441, plus strand): 5'-CAAAAAATAAGTTTTTGCATTCTAGTGATAATATACAATACACATAAATTTTTATCTTAC[A>G]GTCAGAAATGAAGAAGCATCTGAAACTGTATTTCCTCATGATACTACTGCTGTAAGTAAA-3'